The following is an entry in ClinVar:

NM_000238.4(KCNH2):c.1569G>A (p.Leu523=)

Gene: KCNH2 (potassium voltage-gated channel subfamily H member 2; minus strand). Cytogenetic location: 7q36.1.
Variant type: single nucleotide variant.
Coding change: c.1569G>A on transcript NM_000238.4 (MANE Select); coding-DNA position 1569, G replaced by A.
Protein change: p.Leu523=; no amino-acid change (leucine 523 retained).
Molecular consequence: synonymous variant. On other transcripts: non-coding transcript variant (2).
Genome position (GRCh38, 1-based): chr7:150,951,824, C>T on the plus strand (G>A on the coding strand, the complement: KCNH2 is on the minus strand). VCF-style: chr7-150951824-C-T. GRCh37 (hg19) VCF-style: chr7-150648912-C-T.
Other names: c.549G>A, p.Leu183= (NM_001204798.2, NM_172057.3); c.1281G>A, p.Leu427= (NM_001406753.1, NM_001406756.1); c.1392G>A, p.Leu464= (NM_001406755.1); c.1269G>A, p.Leu423= (NM_001406757.1); c.1569G>A, p.Leu523= (NM_172056.3).
Identifiers: ClinVar variation 1614307 (VCV001614307.10), dbSNP rs2116964732, ClinGen allele CA070408.
Genomic context (GRCh38, chr7:150,951,824, plus strand): 5'-TGAGTAGCGATCCAGCTTCCGCGCCACGCGCACCAGCCGCAGCAGCCGCGCAGTCTTCAG[C>T]AGCCCGATCAGCTGGGGGACAGGGAAGGGGCACATTCCGTTGATGGGGCAAGGGGGGCAA-3'
Protein context (NP_000229.1, residues 513-533): FGSGSEELIG[Leu523=]LKTARLLRLV

ClinVar aggregate classification (germline): Likely benign. Review status: criteria provided, multiple submitters, no conflicts (2 of 4 stars). 2 submissions from 2 submitters: Likely benign (2). Last evaluated 2023-09-17.

Conditions:
Long QT syndrome (LQTS). Identifiers: MedGen C0023976, MeSH D008133, MONDO:0002442. Disease mechanism: loss of function. Inheritance: Various modes of inheritance.

Submissions (2):

All of Us Research Program, National Institutes of Health
Classification: Likely benign for Long QT syndrome. Last evaluated: 2023-09-17. Review status: criteria provided, single submitter. Criteria: ACMG Guidelines, 2015. Collection method: clinical testing. Allele origin: germline. Inheritance: Autosomal dominant inheritance. Observed: 1 variant allele, 1 heterozygote.
Comment: This study involves interpretation of variants in research participants for the purpose of population health screening. Participant phenotype was not available at the time of variant classification. Additional details can be found in publication PMID: 35346344, PMCID: PMC8962531

Labcorp Genetics (formerly Invitae), Labcorp
Classification: Likely benign for Long QT syndrome. Last evaluated: 2022-07-05. Review status: criteria provided, single submitter. Criteria: Invitae Variant Classification Sherloc (09022015). Collection method: clinical testing. Allele origin: germline.